The following is an entry in ClinVar:

NM_001387430.1(SH2B1):c.63C>T (p.Pro21=)

Gene: SH2B1 (SH2B adaptor protein 1; plus strand). Cytogenetic location: 16p11.2.
Variant type: single nucleotide variant.
Coding change: c.63C>T on transcript NM_001387430.1 (MANE Select); coding-DNA position 63, C replaced by T.
Protein change: p.Pro21=; no amino-acid change (proline 21 retained).
Molecular consequence: synonymous variant. On other transcripts: intron variant (1).
Genome position (GRCh38, 1-based): chr16:28,866,157, C>T. VCF-style: chr16-28866157-C-T. GRCh37 (hg19) VCF-style: chr16-28877478-C-T.
Other names: c.63C>T, p.Pro21= (NM_001145795.2, NM_001145796.2, NM_001145797.2 and 4 more transcripts); c.-26-1217C>T (NM_001308294.2).
Identifiers: ClinVar variation 3054971 (VCV003054971.2), dbSNP rs778108707, ClinGen allele CA7985837.

ClinVar aggregate classification (germline): Likely benign (0 of 4 stars; one submission).

Conditions:
SH2B1-related disorder. Also called: SH2B1-related condition.

Allele frequency attached by ClinVar (database versions not stated): TOPMed below 0.00001; gnomAD 0.00001; gnomAD exomes 0.00001; ExAC 0.00006.
gnomAD v4.1: 17 of 1,552,100 alleles (0.0011%); highest among the groups gnomAD compares: Non-Finnish European, 0.0013%; no homozygotes.

Submission:

PreventionGenetics, part of Exact Sciences
Classification: Likely benign for SH2B1-related condition. Last evaluated: 2022-07-14. Review status: no assertion criteria provided. Collection method: clinical testing. Allele origin: germline.
Comment: This variant is classified as likely benign based on ACMG/AMP sequence variant interpretation guidelines (Richards et al. 2015 PMID: 25741868, with internal and published modifications).